The following is an entry in ClinVar:

NM_005026.5(PIK3CD):c.2419G>A (p.Asp807Asn)

Gene: PIK3CD (phosphatidylinositol-4,5-bisphosphate 3-kinase catalytic subunit delta; plus strand). Cytogenetic location: 1p36.22.
Variant type: single nucleotide variant.
Coding change: c.2419G>A on transcript NM_005026.5 (MANE Select); coding-DNA position 2419, G replaced by A.
Protein change: p.Asp807Asn; replaces aspartic acid 807 with asparagine.
Molecular consequence: missense variant.
Genome position (GRCh38, 1-based): chr1:9,722,599, G>A. VCF-style: chr1-9722599-G-A. GRCh37 (hg19) VCF-style: chr1-9782657-G-A.
Other names: c.2416G>A, p.Asp806Asn (NM_001350234.2); c.2332G>A, p.Asp778Asn (NM_001350235.1); short protein forms D778N, D806N, D807N.
Identifiers: ClinVar variation 1484988 (VCV001484988.8), dbSNP rs2100982447, ClinGen allele CA338305965.

ClinVar aggregate classification (germline): Uncertain significance (1 of 4 stars; one submission).

Conditions:
Immunodeficiency 14 (IMD14A). Also called: ACTIVATED PI3K-DELTA SYNDROME 1; Activated PI3K Delta Syndrome Type 1 (APDS1); p110-DELTA-ACTIVATING MUTATION CAUSING SENESCENT T CELLS, LYMPHADENOPATHY, AND IMMUNODEFICIENCY; IMMUNODEFICIENCY 14A WITH LYMPHOPROLIFERATION, AUTOSOMAL DOMINANT. Identifiers: Orphanet 397596, Orphanet 693661, MedGen C5907821, MONDO:0014222, OMIM 615513.

Submission:

Labcorp Genetics (formerly Invitae), Labcorp
Classification: Uncertain significance for Activated PI3K-delta syndrome. Last evaluated: 2021-06-19. Review status: criteria provided, single submitter. Criteria: Invitae Variant Classification Sherloc (09022015). Collection method: clinical testing. Allele origin: germline.
Comment: In summary, the available evidence is currently insufficient to determine the role of this variant in disease. Therefore, it has been classified as a Variant of Uncertain Significance. Algorithms developed to predict the effect of missense changes on protein structure and function are either unavailable or do not agree on the potential impact of this missense change (SIFT: "Deleterious"; PolyPhen-2: "Probably Damaging"; Align-GVGD: "Class C15"). This variant has not been reported in the literature in individuals with PIK3CD-related conditions. This variant is not present in population databases (ExAC no frequency). This sequence change replaces aspartic acid with asparagine at codon 807 of the PIK3CD protein (p.Asp807Asn). The aspartic acid residue is highly conserved and there is a small physicochemical difference between aspartic acid and asparagine.